The following is an entry in ClinVar:

NM_001242896.3(DEPDC5):c.4085del (p.Asn1362fs)

Gene: DEPDC5 (DEP domain containing 5, GATOR1 subcomplex subunit; plus strand). Cytogenetic location: 22q12.3.
Variant type: Deletion.
Coding change: c.4085del on transcript NM_001242896.3 (MANE Select); coding-DNA position 4085, one base deleted (A; older notation c.4085delA).
Protein change: p.Asn1362fs; shifts the reading frame from asparagine 1362.
Molecular consequence: frameshift variant. On other transcripts: non-coding transcript variant (5).
Genome position (GRCh38, 1-based): chr22:31,893,633, A deleted; the last of 2 consecutive A bases (chr22:31,893,632-31,893,633); deleting either gives the same sequence. VCF-style (leftmost placement, unchanged base first): chr22-31893631-CA-C. GRCh37 (hg19) VCF-style: chr22-32289617-CA-C.
Other names: c.4019del, p.Asn1340fs (NM_001364320.2, NM_001363852.2); c.4001del, p.Asn1334fs (NM_001369901.1, NM_001369902.1); c.3992del, p.Asn1331fs (NM_001369903.1, NM_014662.6); c.4058del, p.Asn1353fs (NM_001136029.4); c.3785del, p.Asn1262fs (NM_001242897.2); c.3851del, p.Asn1284fs (NM_001363854.2, NM_001364319.2); c.4085del, p.Asn1362fs (NM_001364318.2); short protein forms N1362fs, N1353fs, N1331fs, N1340fs, N1262fs, N1284fs, N1334fs.
Identifiers: ClinVar variation 2766368 (VCV002766368.4), dbSNP rs2523209714, ClinGen allele CA2697552712.

ClinVar aggregate classification (germline): Pathogenic. Review status: criteria provided, multiple submitters, no conflicts (2 of 4 stars). 2 submissions from 2 submitters: Pathogenic (2). Last evaluated 2025-01-10.

Conditions:
Familial focal epilepsy with variable foci (FPEVF). Identifiers: Orphanet 98820, MedGen C1858477, MONDO:0020310.
Epilepsy, familial focal, with variable foci 1 (FFEVF1). Also called: DEPDC5-Related Epilepsy. Identifiers: MedGen C4551983, MONDO:0024556, OMIM 604364.

Submissions (2):

Centre of Medical Genetics, University Hospital Muenster
Classification: Pathogenic for Epilepsy, familial focal, with variable foci 1. Last evaluated: 2025-01-10. Review status: criteria provided, single submitter. Criteria: ACMG Guidelines, 2015. Collection method: clinical testing. Allele origin: unknown. Affected: yes. Observed: 1 variant allele, 1 heterozygote.
Comment: ACMG categories: PVS1,PM2

Labcorp Genetics (formerly Invitae), Labcorp
Classification: Pathogenic for Familial focal epilepsy with variable foci. Last evaluated: 2024-01-25. Review status: criteria provided, single submitter. Criteria: Invitae Variant Classification Sherloc (09022015). Collection method: clinical testing. Allele origin: germline.
Comment: This sequence change creates a premature translational stop signal (p.Asn1362Thrfs*19) in the DEPDC5 gene. It is expected to result in an absent or disrupted protein product. Loss-of-function variants in DEPDC5 are known to be pathogenic (PMID: 23542697, 23542701). This variant is not present in population databases (gnomAD no frequency). This variant has not been reported in the literature in individuals affected with DEPDC5-related conditions. For these reasons, this variant has been classified as Pathogenic.

Literature cited by the submitters: PubMed 23542697 (cited by Labcorp Genetics (formerly Invitae), Labcorp); PubMed 23542701 (cited by Labcorp Genetics (formerly Invitae), Labcorp).